The following is an entry in ClinVar:

ClinVar aggregate classification (germline): Pathogenic (1 of 4 stars; one submission).

Conditions:
Sandhoff disease. Also called: GM2-GANGLIOSIDOSIS, TYPE II; HEXOSAMINIDASES A AND B DEFICIENCY; Beta-hexosaminidase-beta-subunit deficiency; GM2 gangliosidosis, type 2; Total hexosaminidase deficiency; Sandhoff-Jatzkewitz-Pilz disease. Identifiers: Orphanet 796, MedGen C0036161, MONDO:0010006, OMIM 268800.

Submission:

Labcorp Genetics (formerly Invitae), Labcorp
Classification: Pathogenic for Sandhoff disease. Last evaluated: 2021-12-01. Review status: criteria provided, single submitter. Criteria: Invitae Variant Classification Sherloc (09022015). Collection method: clinical testing. Allele origin: germline.
Comment: This sequence change creates a premature translational stop signal (p.Tyr463*) in the HEXB gene. It is expected to result in an absent or disrupted protein product. Loss-of-function variants in HEXB are known to be pathogenic (PMID: 7550345, 18758829). This variant is not present in population databases (gnomAD no frequency). This variant has not been reported in the literature in individuals affected with HEXB-related conditions. ClinVar contains an entry for this variant (Variation ID: 1074051). For these reasons, this variant has been classified as Pathogenic.

Literature cited by the submitters: PubMed 7550345; PubMed 18758829.

NM_000521.4(HEXB):c.1389_1393del (p.Tyr463_Lys465delinsTer)

Gene: HEXB (hexosaminidase subunit beta; plus strand). Cytogenetic location: 5q13.3.
Variant type: Deletion.
Coding change: c.1389_1393del on transcript NM_000521.4 (MANE Select); coding-DNA positions 1389 to 1393, 5 bases deleted (CTATA; older notation c.1389_1393delCTATA).
Protein change: p.Tyr463_Lys465delinsTer.
Molecular consequence: nonsense.
Genome position (GRCh38, 1-based): chr5:74,718,943-74,718,947, CTATA deleted; deleting any 5 consecutive bases within chr5:74,718,940-74,718,947 gives the same sequence; the c. name uses the placement nearest the transcript's 3' end. VCF-style (leftmost placement, unchanged base first): chr5-74718939-AATACT-A. GRCh37 (hg19) VCF-style: chr5-74014764-AATACT-A.
Other names: c.714_718del, p.Tyr238_Lys240delinsTer (NM_001292004.2).
Identifiers: ClinVar variation 1074051 (VCV001074051.7), dbSNP rs2112180944, ClinGen allele CA2499217895.
Genomic context (GRCh38, chr5:74,718,939, plus strand): 5'-CTGTAATCCTTTCTGCTCCTTGGTACTTAGATTTGATTAGCTATGGACAAGATTGGAGGA[AATACT>A]ATAAAGTGGAACCTCTTGATTTTGGCGGTAAGTGAAGCAGTTGGTCCAAGTGTTGTGGGT-3'